The following is an entry in ClinVar:

NM_001173464.2(KIF21A):c.578G>A (p.Arg193His)

Gene: KIF21A (kinesin family member 21A; minus strand). Cytogenetic location: 12q12.
Variant type: single nucleotide variant.
Coding change: c.578G>A on transcript NM_001173464.2 (MANE Select); coding-DNA position 578, G replaced by A.
Protein change: p.Arg193His; replaces arginine 193 with histidine.
Molecular consequence: missense variant.
Genome position (GRCh38, 1-based): chr12:39,367,905, C>T on the plus strand (G>A on the coding strand, the complement: KIF21A is on the minus strand). VCF-style: chr12-39367905-C-T. GRCh37 (hg19) VCF-style: chr12-39761707-C-T.
Other names: c.578G>A, p.Arg193His (NM_001173463.2, NM_001173465.2, NM_017641.4); short protein forms R193H.
Identifiers: ClinVar variation 308590 (VCV000308590.5), dbSNP rs770064077, ClinGen allele CA6511235.

ClinVar aggregate classification (germline): Benign (1 of 4 stars; one submission).

Conditions:
Congenital fibrosis of extraocular muscles type 1. Also called: CFEOM3B; BLEPHAROPTOSIS WITH ABSENT EYE MOVEMENTS; OPHTHALMOPLEGIA, CONGENITAL; FEOM1 LOCUS. Identifiers: MedGen C1851102, MONDO:0021083, OMIM 135700.

Allele frequency attached by ClinVar (database versions not stated): TOPMed 0.00003; ExAC 0.00004; gnomAD 0.00001; gnomAD exomes 0.00004 and 0.00003.
gnomAD v4.1: 51 of 1,608,470 alleles (0.0032%); highest among the groups gnomAD compares: Non-Finnish European, 0.0039%; no homozygotes.

Submission:

Illumina Laboratory Services, Illumina
Classification: Benign for Congenital fibrosis of extraocular muscles type 1. Last evaluated: 2018-01-13. Review status: criteria provided, single submitter. Criteria: ICSL Variant Classification Criteria 13 December 2019. Collection method: clinical testing. Allele origin: germline.
Comment: This variant was observed in the ICSL laboratory as part of a predisposition screen in an ostensibly healthy population. It had not been previously curated by ICSL or reported in the Human Gene Mutation Database (HGMD: prior to June 1st, 2018), and was therefore a candidate for classification through an automated scoring system. Utilizing variant allele frequency, disease prevalence and penetrance estimates, and inheritance mode, an automated score was calculated to assess if this variant is too frequent to cause the disease. Based on the score and internal cut-off values, a variant classified as benign is not then subjected to further curation. The score for this variant resulted in a classification of benign for this disease.